The following is an entry in ClinVar:

NM_003265.3(TLR3):c.994T>C (p.Ser332Pro)

Gene: TLR3 (toll like receptor 3; plus strand). Cytogenetic location: 4q35.1.
Variant type: single nucleotide variant.
Coding change: c.994T>C on transcript NM_003265.3 (MANE Select); coding-DNA position 994, T replaced by C.
Protein change: p.Ser332Pro; replaces serine 332 with proline.
Molecular consequence: missense variant.
Genome position (GRCh38, 1-based): chr4:186,082,680, T>C. VCF-style: chr4-186082680-T-C. GRCh37 (hg19) VCF-style: chr4-187003834-T-C.
Other names: short protein forms S332P.
Identifiers: ClinVar variation 936672 (VCV000936672.1), dbSNP rs1327804552, ClinGen allele CA358930615.

ClinVar aggregate classification (germline): Uncertain significance (1 of 4 stars; one submission).

Conditions:
Encephalopathy, acute, infection-induced (herpes-specific), susceptibility to, 1. Also called: Herpes simplex encephalitis, susceptibility to, 1. Identifiers: Orphanet 1930, MedGen C2750180, MONDO:0024563, OMIM 610551.

Allele frequency attached by ClinVar (database versions not stated): gnomAD exomes 0.00001 and below 0.00001.
gnomAD v4.1: 8 of 1,613,980 alleles (0.0005%); highest among the groups gnomAD compares: Non-Finnish European, 0.00068%; no homozygotes.

Submission:

Labcorp Genetics (formerly Invitae), Labcorp
Classification: Uncertain significance for Herpes simplex encephalitis 1. Last evaluated: 2019-05-20. Review status: criteria provided, single submitter. Criteria: Invitae Variant Classification Sherloc (09022015). Collection method: clinical testing. Allele origin: germline.
Comment: This sequence change replaces serine with proline at codon 332 of the TLR3 protein (p.Ser332Pro). The serine residue is moderately conserved and there is a moderate physicochemical difference between serine and proline. This variant is not present in population databases (ExAC no frequency). This variant has not been reported in the literature in individuals with TLR3-related conditions. Algorithms developed to predict the effect of missense changes on protein structure and function are either unavailable or do not agree on the potential impact of this missense change (SIFT: "Tolerated"; PolyPhen-2: "Possibly Damaging"; Align-GVGD: "Class C0"). In summary, the available evidence is currently insufficient to determine the role of this variant in disease. Therefore, it has been classified as a Variant of Uncertain Significance.